The following is an entry in ClinVar:

ClinVar aggregate classification (germline): Likely benign (1 of 4 stars; one submission).

Submission:

CeGaT Center for Human Genetics Tuebingen
Classification: Likely benign. Last evaluated: 2023-12-01. Review status: criteria provided, single submitter. Criteria: CeGaT Center For Human Genetics Tuebingen Variant Classification Criteria Version 2. Collection method: clinical testing. Allele origin: germline. Affected: yes. Observed: 1 variant allele.
Comment: SLC12A2: PM2:Supporting, BP4, BP7

NM_001046.3(SLC12A2):c.2523A>G (p.Lys841=)

Gene: SLC12A2 (solute carrier family 12 member 2; plus strand). Cytogenetic location: 5q23.3.
Variant type: single nucleotide variant.
Coding change: c.2523A>G on transcript NM_001046.3 (MANE Select); coding-DNA position 2523, A replaced by G.
Protein change: p.Lys841=; no amino-acid change (lysine 841 retained).
Molecular consequence: synonymous variant. On other transcripts: non-coding transcript variant (1).
Genome position (GRCh38, 1-based): chr5:128,161,707, A>G. VCF-style: chr5-128161707-A-G. GRCh37 (hg19) VCF-style: chr5-127497399-A-G.
Other names: c.2523A>G, p.Lys841= (NM_001256461.2).
Identifiers: ClinVar variation 3026585 (VCV003026585.22), dbSNP rs2479439931, ClinGen allele CA446303941.